The following is an entry in ClinVar:

ClinVar aggregate classification (germline): Pathogenic (1 of 4 stars; one submission).

Conditions:
Nonsyndromic genetic hearing loss. Also called: Nonsyndromic genetic deafness; Non-syndromic genetic deafness; Nonsyndromic hearing loss and deafness. Identifiers: Orphanet 87884, MedGen C5680182, MONDO:0019497.

Submission:

Women's Health and Genetics/Laboratory Corporation of America, LabCorp
Classification: Pathogenic for Nonsyndromic genetic hearing loss. Last evaluated: 2025-11-11. Review status: criteria provided, single submitter. Criteria: LabCorp Variant Classification Summary - May 2015. Collection method: clinical testing. Allele origin: germline.
Comment: Variant summary: The variant involves the deletion of exons 19-20 in the LOXHD1 gene. A presumed nomenclature of c.(2598+1_2599-1)_(3216+1_3217-1)del has been designated for the purposes of this classification. This Copy Number Variant (CNV) is predicted to result in an in-frame deletion within this gene. Loss-of-function variants in this gene are known to be pathogenic. The variant was absent in 21694 control chromosomes. To our knowledge, no occurrence of c.(2598+1_2599-1)_(3216+1_3217-1)del in individuals affected with LOXHD1-related conditions and no experimental evidence demonstrating its impact on protein function have been reported. However, variant(s) contained within the deleted region have been classified as pathogenic/likely pathogenic, indicating the critical relevance of exons 19-20 in LOXHD1 function. ClinVar contains an entry for this variant (Variation ID: 3242816). Based on the evidence outlined above, the variant was classified as pathogenic.

NC_000018.9:g.(44137453_44139410)_(44140509_44143027)del

Gene: LOXHD1 (lipoxygenase homology PLAT domains 1; minus strand). Cytogenetic location: 18q21.1.
Variant type: Deletion.
Identifiers: ClinVar variation 4536866 (VCV004536866.1).